The following is an entry in ClinVar:

ClinVar aggregate classification (germline): Pathogenic (1 of 4 stars; one submission).

Submission:

Labcorp Genetics (formerly Invitae), Labcorp
Classification: Pathogenic. Last evaluated: 2026-01-24. Review status: criteria provided, single submitter. Criteria: Invitae Variant Classification Sherloc (09022015). Collection method: clinical testing. Allele origin: germline.
Comment: This sequence change creates a premature translational stop signal (p.Lys613*) in the PTPN23 gene. It is expected to result in an absent or disrupted protein product. Loss-of-function variants in PTPN23 are known to be pathogenic (PMID: 29090338, 29899372). This variant is not present in population databases (gnomAD no frequency). This variant has not been reported in the literature in individuals affected with PTPN23-related conditions. For these reasons, this variant has been classified as Pathogenic.

Literature cited by the submitters: PubMed 29090338; PubMed 29899372.

NM_015466.4(PTPN23):c.1837A>T (p.Lys613Ter)

Gene: PTPN23 (protein tyrosine phosphatase non-receptor type 23; plus strand). Cytogenetic location: 3p21.31.
Variant type: single nucleotide variant.
Coding change: c.1837A>T on transcript NM_015466.4 (MANE Select); coding-DNA position 1837, A replaced by T.
Protein change: p.Lys613Ter; replaces lysine 613 with a stop codon.
Molecular consequence: nonsense.
Genome position (GRCh38, 1-based): chr3:47,409,456, A>T. VCF-style: chr3-47409456-A-T. GRCh37 (hg19) VCF-style: chr3-47450946-A-T.
Other names: c.1459A>T, p.Lys487Ter (NM_001304482.2); short protein forms K487*, K613*.
Identifiers: ClinVar variation 4736034 (VCV004736034.1).
Genomic context (GRCh38, chr3:47,409,456, plus strand): 5'-TGGCCCCCACCCCTTCCTCAGAAGTTGTTCGAGGAGCAGCTGAAAAAGTATGACCAGCTG[A>T]AGGTGTACCTGGAGCAGAACCTGGCCGCCCAGGACCGTGTCCTCTGTGCACTGACAGAGG-3'